The following is an entry in ClinVar:

ClinVar aggregate classification (germline): Benign (1 of 4 stars; one submission).

Allele frequency attached by ClinVar (database versions not stated): 1000 Genomes Project 30x 0.04029; 1000 Genomes Project 0.04093; TOPMed 0.04858; gnomAD 0.04961 and 0.05002.
gnomAD v4.1: 7,613 of 152,082 alleles (5%); highest among the groups gnomAD compares: Non-Finnish European, 7.2%; 238 homozygotes.

Submission:

GeneDx
Classification: Benign. Last evaluated: 2018-06-19. Review status: criteria provided, single submitter. Criteria: GeneDx Variant Classification (06012015). Collection method: clinical testing. Allele origin: germline. Affected: yes.
Comment: This variant is considered likely benign or benign based on one or more of the following criteria: it is a conservative change, it occurs at a poorly conserved position in the protein, it is predicted to be benign by multiple in silico algorithms, and/or has population frequency not consistent with disease.

NM_002047.4(GARS1):c.1031+229C>T

Gene: GARS1 (glycyl-tRNA synthetase 1; plus strand). Cytogenetic location: 7p14.3.
Variant type: single nucleotide variant.
Coding change: c.1031+229C>T on transcript NM_002047.4 (MANE Select); 229 bases into the intron after coding-DNA position 1031, C replaced by T.
Molecular consequence: intron variant.
Genome position (GRCh38, 1-based): chr7:30,612,474, C>T. VCF-style: chr7-30612474-C-T. GRCh37 (hg19) VCF-style: chr7-30652090-C-T.
Other names: c.869+229C>T (NM_001316772.1).
Identifiers: ClinVar variation 681750 (VCV000681750.1), dbSNP rs10229836, ClinGen allele CA156050452.